The following is an entry in ClinVar:

ClinVar aggregate classification (germline): Pathogenic. Review status: criteria provided, multiple submitters, no conflicts (2 of 4 stars). 3 submissions from 3 submitters: Pathogenic (3). Last evaluated 2023-06-13.

Conditions:
Hereditary diffuse gastric adenocarcinoma (HDGC). Also called: DIFFUSE GASTRIC AND LOBULAR BREAST CANCER SYNDROME. Identifiers: Orphanet 26106, MedGen C1708349, MONDO:0007648, OMIM 137215.
Hereditary cancer-predisposing syndrome. Also called: Neoplastic Syndromes, Hereditary; Hereditary neoplastic syndrome; Tumor predisposition; Hereditary Cancer Syndrome. Identifiers: Orphanet 140162, MedGen C0027672, MeSH D009386, MONDO:0015356.

Submissions (3):

Myriad Genetics, Inc.
Classification: Pathogenic for Hereditary diffuse gastric adenocarcinoma. Last evaluated: 2023-06-13. Review status: criteria provided, single submitter. Criteria: Myriad Autosomal Dominant, Autosomal Recessive and X-Linked Classification Criteria (2023). Collection method: clinical testing. Allele origin: unknown.
Comment: This variant is considered pathogenic. This variant creates a frameshift predicted to result in premature protein truncation.

Ambry Genetics
Classification: Pathogenic for Hereditary cancer-predisposing syndrome. Last evaluated: 2022-04-18. Review status: criteria provided, single submitter. Criteria: Ambry Variant Classification Scheme 2023. Collection method: clinical testing. Allele origin: germline.
Comment: The c.1212dupC pathogenic mutation, located in coding exon 9 of the CDH1 gene, results from a duplication of C at nucleotide position 1212, causing a translational frameshift with a predicted alternate stop codon (p.N405Qfs*14). This variant is considered to be rare based on population cohorts in the Genome Aggregation Database (gnomAD). This alteration is expected to result in loss of function by premature protein truncation or nonsense-mediated mRNA decay. As such, this alteration is interpreted as a disease-causing mutation.

Labcorp Genetics (formerly Invitae), Labcorp
Classification: Pathogenic for Hereditary diffuse gastric adenocarcinoma. Last evaluated: 2022-01-22. Review status: criteria provided, single submitter. Criteria: Invitae Variant Classification Sherloc (09022015). Collection method: clinical testing. Allele origin: germline.
Comment: This sequence change creates a premature translational stop signal (p.Asn405Glnfs*14) in the CDH1 gene. It is expected to result in an absent or disrupted protein product. Loss-of-function variants in CDH1 are known to be pathogenic (PMID: 15235021, 20373070). This variant is not present in population databases (gnomAD no frequency). This variant has not been reported in the literature in individuals affected with CDH1-related conditions. ClinVar contains an entry for this variant (Variation ID: 837270). For these reasons, this variant has been classified as Pathogenic.

Literature cited by the submitters: PubMed 15235021 (cited by Labcorp Genetics (formerly Invitae), Labcorp); PubMed 20373070 (cited by Labcorp Genetics (formerly Invitae), Labcorp).

NM_004360.5(CDH1):c.1212dup (p.Asn405fs)

Gene: CDH1 (cadherin 1; plus strand). Cytogenetic location: 16q22.1.
Variant type: Duplication.
Coding change: c.1212dup on transcript NM_004360.5 (MANE Select); coding-DNA position 1212, one base duplicated (C; older notation c.1212dupC).
Protein change: p.Asn405fs; shifts the reading frame from asparagine 405.
Molecular consequence: frameshift variant. On other transcripts: 5 prime UTR variant (2), intron variant (1).
Genome position (GRCh38, 1-based): chr16:68,813,387, C duplicated; the last of 5 consecutive C bases (chr16:68,813,383-68,813,387); duplicating any one gives the same sequence. VCF-style (leftmost placement, unchanged base first): chr16-68813382-G-GC. GRCh37 (hg19) VCF-style: chr16-68847285-G-GC.
Other names: c.1212dupC (NM_004360.3); c.-404dup (NM_001317185.2); c.-608dup (NM_001317186.2); c.1137+1124dup (NM_001317184.2); short protein forms N405fs.
Identifiers: ClinVar variation 837270 (VCV000837270.14), dbSNP rs1597895871, ClinGen allele CA496392699.
Genomic context (GRCh38, chr16:68,813,382, plus strand): 5'-CAGGTGCCTGAGAACGAGGCTAACGTCGTAATCACCACACTGAAAGTGACTGATGCTGAT[G>GC]CCCCCAATACCCCAGCGTGGGAGGCTGTATACACCATATTGAATGATGATGGTGGACAAT-3'